The following is an entry in ClinVar:

ClinVar aggregate classification (germline): Uncertain significance (1 of 4 stars; one submission).

Conditions:
SEMA3D-related disorder. Also called: SEMA3D-related condition.

Submission:

PreventionGenetics, part of Exact Sciences
Classification: Uncertain significance for SEMA3D-related condition. Last evaluated: 2025-06-23. Review status: criteria provided, single submitter. Criteria: ACMG Guidelines, 2015. Collection method: clinical testing. Allele origin: germline.
Comment: The SEMA3D c.993_996delinsTCTATTTATTTATTTATTTATTT variant is predicted to result in a frameshift and premature protein termination (p.Pro332Leufs*11). To our knowledge, this variant has not been reported in the literature or in a large population database (gnomAD), indicating this variant is rare. Loss of function has not been conclusively established as a mechanism for SEMA3D-related disorders. At this time, the clinical significance of this variant is uncertain due to the absence of conclusive functional and genetic evidence.

NM_001384900.1(SEMA3D):c.993_996delinsTCTATTTATTTATTTATTTATTT (p.Pro332fs)

Gene: SEMA3D (semaphorin 3D; minus strand). Cytogenetic location: 7q21.11.
Variant type: Indel.
Coding change: c.993_996delinsTCTATTTATTTATTTATTTATTT on transcript NM_001384900.1 (MANE Select); coding-DNA positions 993 to 996, CCCC replaced by TCTATTTATTTATTTATTTATTT.
Protein change: p.Pro332fs; shifts the reading frame from proline 332.
Molecular consequence: frameshift variant.
Genome position (GRCh38, 1-based): chr7:85,040,723-85,040,726, GGGG replaced by AAATAAATAAATAAATAAATAGA on the plus strand (CCCC replaced by TCTATTTATTTATTTATTTATTT on the coding strand, the reverse complement: SEMA3D is on the minus strand). VCF-style: chr7-85040723-GGGG-AAATAAATAAATAAATAAATAGA. GRCh37 (hg19) VCF-style: chr7-84670039-GGGG-AAATAAATAAATAAATAAATAGA.
Other names: c.993_996delinsTCTATTTATTTATTTATTTATTT, p.Pro332fs (NM_001384901.1, NM_001384902.1, NM_001384903.1 and 1 more transcripts); short protein forms P332fs.
Identifiers: ClinVar variation 5000141 (VCV005000141.1).
Genomic context (GRCh38, chr7:85,040,723, plus strand): 5'-TTGAACATACCTGGTTGTAGTAAAGACTCCATATACTACAGGATTTCTTTCATCTCTTGT[GGGG>AAATAAATAAATAAATAAATAGA]AGTAAATAAATATCTTCTATTAAAGGGGAAAAATAAATATTTACTCTTATTTTTCAGTAT-3'